The following is an entry in ClinVar:

ClinVar aggregate classification (germline): Pathogenic (1 of 4 stars; one submission).

Submission:

Labcorp Genetics (formerly Invitae), Labcorp
Classification: Pathogenic. Last evaluated: 2025-01-23. Review status: criteria provided, single submitter. Criteria: Invitae Variant Classification Sherloc (09022015). Collection method: clinical testing. Allele origin: germline.
Comment: This sequence change creates a premature translational stop signal (p.Ile4102Serfs*26) in the ADGRV1 gene. It is expected to result in an absent or disrupted protein product. Loss-of-function variants in ADGRV1 are known to be pathogenic (PMID: 19357117, 22135276, 22147658, 26226137, 30718709, 31047384, 32467589). This variant is not present in population databases (gnomAD no frequency). This variant has not been reported in the literature in individuals affected with ADGRV1-related conditions. For these reasons, this variant has been classified as Pathogenic.

Literature cited by the submitters: PubMed 19357117; PubMed 22135276; PubMed 22147658; PubMed 26226137; PubMed 30718709; PubMed 31047384; PubMed 32467589.

NM_032119.4(ADGRV1):c.12302_12303insGTCT (p.Ile4102fs)

Gene: ADGRV1 (adhesion G protein-coupled receptor V1; plus strand). Cytogenetic location: 5q14.3.
Variant type: Insertion.
Coding change: c.12302_12303insGTCT on transcript NM_032119.4 (MANE Select); coding-DNA positions 12302 to 12303, GTCT inserted.
Protein change: p.Ile4102fs; shifts the reading frame from isoleucine 4102.
Molecular consequence: frameshift variant. On other transcripts: non-coding transcript variant (1).
Genome position: GRCh38 VCF-style: chr5-90774202-C-CGTCT. GRCh37 (hg19) VCF-style: chr5-90070019-C-CGTCT.
Other names: short protein forms I4102fs.
Identifiers: ClinVar variation 3612566 (VCV003612566.2).